The following is an entry in ClinVar:

ClinVar aggregate classification (germline): Pathogenic. Review status: criteria provided, single submitter (1 of 4 stars). 2 submissions from 2 submitters: Pathogenic (1). 1 of the submissions does not count toward it. Last evaluated 2025-11-10.

Conditions:
Possible mitochondrial disorder - nuclear genes.
Progressive external ophthalmoplegia with mitochondrial DNA deletions, autosomal dominant 3. Also called: PROGRESSIVE EXTERNAL OPHTHALMOPLEGIA, AUTOSOMAL DOMINANT 3. Identifiers: MedGen C1836439, MONDO:0012241, OMIM 609286.

Submissions (2):

Genetics Laboratory, Great Ormond Street Hospital NHS Foundation Trust, North Thames Genomic Laboratory Hub
Classification: Pathogenic for Possible mitochondrial disorder - nuclear genes. Last evaluated: 2025-11-10. Review status: criteria provided, single submitter. Criteria: ACGS Best Practice Guidelines for Variant Classification in Rare Disease 2024 v1.2. Collection method: clinical testing. Allele origin: germline. Affected: yes.
Comment: PS4_moderate, PM2_moderate, PM1_supporting, PP1_strong, PP4_supporting

OMIM
Classification: Pathogenic for PROGRESSIVE EXTERNAL OPHTHALMOPLEGIA WITH MITOCHONDRIAL DNA DELETIONS, AUTOSOMAL DOMINANT 3. Last evaluated: 2001-07-01. Review status: no assertion criteria provided. Collection method: literature only. Allele origin: germline. Not counted in ClinVar's aggregate classification.

Literature cited by the submitters: PubMed 11431692 (cited by OMIM).

NM_021830.5(TWNK):c.1061G>C (p.Arg354Pro)

Gene: TWNK (twinkle mtDNA helicase; plus strand). Cytogenetic location: 10q24.31.
Variant type: single nucleotide variant.
Coding change: c.1061G>C on transcript NM_021830.5 (MANE Select); coding-DNA position 1061, G replaced by C.
Protein change: p.Arg354Pro; replaces arginine 354 with proline.
Molecular consequence: missense variant. On other transcripts: non-coding transcript variant (4), intron variant (3).
Genome position (GRCh38, 1-based): chr10:100,989,271, G>C. VCF-style: chr10-100989271-G-C. GRCh37 (hg19) VCF-style: chr10-102749028-G-C.
Other names: c.1061G>C, p.Arg354Pro (NM_001163812.2); c.-119-373G>C (NM_001163814.2, NM_001163813.2); c.-57-435G>C (NM_001368275.1); short protein forms R354P.
Identifiers: ClinVar variation 4621 (VCV000004621.2), dbSNP rs111033576, ClinGen allele CA116963.
Genomic context (GRCh38, chr10:100,989,271, plus strand): 5'-GACCAGGAGACCAGCAACCCCGTCCCCTGGAGGCCCTGAACGGAGGCTTCAATCTTTCTC[G>C]TATTCTTCGTACCGCCCTGCCTGCCTGGCACAAGTCCATCGTATCTTTCCGGCAGCTTCG-3'
Protein context (NP_068602.2, residues 344-364): EALNGGFNLS[Arg354Pro]ILRTALPAWH